The following is an entry in ClinVar:

ClinVar aggregate classification (germline): Uncertain significance. Review status: criteria provided, multiple submitters, no conflicts (2 of 4 stars). 2 submissions from 2 submitters: Uncertain significance (2). Last evaluated 2025-06-01.

Allele frequency attached by ClinVar (database versions not stated): ExAC 0.00001; TOPMed 0.00002; gnomAD 0.00003.
gnomAD v4.1: 19 of 1,613,388 alleles (0.0012%); highest among the groups gnomAD compares: Middle Eastern, 0.016%; no homozygotes.

Submissions (2):

CeGaT Center for Human Genetics Tuebingen
Classification: Uncertain significance. Last evaluated: 2025-06-01. Review status: criteria provided, single submitter. Criteria: CeGaT Center For Human Genetics Tuebingen Variant Classification Criteria Version 2. Collection method: clinical testing. Allele origin: germline. Affected: yes. Observed: 1 variant allele.
Comment: PLXND1: PM2

Ambry Genetics
Classification: Uncertain significance. Last evaluated: 2022-06-21. Review status: criteria provided, single submitter. Criteria: Ambry Variant Classification Scheme 2023. Collection method: clinical testing. Allele origin: germline.

NM_015103.3(PLXND1):c.1994C>T (p.Pro665Leu)

Gene: PLXND1 (plexin D1; minus strand). Cytogenetic location: 3q22.1.
Variant type: single nucleotide variant.
Coding change: c.1994C>T on transcript NM_015103.3 (MANE Select); coding-DNA position 1994, C replaced by T.
Protein change: p.Pro665Leu; replaces proline 665 with leucine.
Molecular consequence: missense variant.
Genome position (GRCh38, 1-based): chr3:129,584,420, G>A on the plus strand (C>T on the coding strand, the complement: PLXND1 is on the minus strand). VCF-style: chr3-129584420-G-A. GRCh37 (hg19) VCF-style: chr3-129303263-G-A.
Other names: short protein forms P665L.
Identifiers: ClinVar variation 2293353 (VCV002293353.10), dbSNP rs771566843, ClinGen allele CA2609188.